The following is an entry in ClinVar:

NM_001077365.2(POMT1):c.2003+4C>T

Gene: POMT1 (protein O-mannosyltransferase 1; plus strand). Cytogenetic location: 9q34.13.
Variant type: single nucleotide variant.
Coding change: c.2003+4C>T on transcript NM_001077365.2 (MANE Select); 4 bases into the intron after coding-DNA position 2003, C replaced by T.
Molecular consequence: intron variant.
Genome position (GRCh38, 1-based): chr9:131,522,228, C>T. VCF-style: chr9-131522228-C-T. GRCh37 (hg19) VCF-style: chr9-134397615-C-T.
Other names: c.1907+4C>T (NM_001353198.2, NM_001353197.2); c.2069+4C>T (NM_001353193.2, NM_007171.4); c.2003+4C>T (NM_001136113.2); c.1841+4C>T (NM_001353194.2, NM_001077366.2); c.1652+4C>T (NM_001374691.1, NM_001353195.2, NM_001374692.1 and 2 more transcripts); c.1784+4C>T (NM_001374690.1); c.1913+4C>T (NM_001353196.2); c.1613+4C>T (NM_001374695.1); and 3 more.
Identifiers: ClinVar variation 285700 (VCV000285700.9), dbSNP rs766635497, ClinGen allele CA5293893.

ClinVar aggregate classification (germline): Uncertain significance. Review status: criteria provided, multiple submitters, no conflicts (2 of 4 stars). 2 submissions from 2 submitters: Uncertain significance (2). Last evaluated 2022-08-16.

Conditions:
Walker-Warburg congenital muscular dystrophy. Also called: Muscular dystrophy-dystroglycanopathy, type A; Walker-Warburg syndrome. Identifiers: Orphanet 899, MedGen C0265221, MONDO:0000171.
Muscular dystrophy-dystroglycanopathy (congenital with impaired intellectual development), type B, 1. Also called: Muscular dystrophy-dystroglycanopathy (congenital with intellectual disability), type B1; MUSCULAR DYSTROPHY, CONGENITAL, POMT1-RELATED. Identifiers: MedGen C5436962, MONDO:0013159, OMIM 613155.
Autosomal recessive limb-girdle muscular dystrophy type 2K. Also called: MUSCULAR DYSTROPHY-DYSTROGLYCANOPATHY (LIMB-GIRDLE), TYPE C, 1; MUSCULAR DYSTROPHY, LIMB-GIRDLE, TYPE 2K. Identifiers: Orphanet 86812, MedGen C1836373, MONDO:0012248, OMIM 609308.

Allele frequency attached by ClinVar (database versions not stated): gnomAD exomes 0.00001; TOPMed 0.00003; gnomAD 0.00001; ExAC 0.00002.
gnomAD v4.1: 11 of 1,613,314 alleles (0.00068%); highest among the groups gnomAD compares: East Asian, 0.0022%; no homozygotes.

Submissions (2):

Labcorp Genetics (formerly Invitae), Labcorp
Classification: Uncertain significance for Muscular dystrophy-dystroglycanopathy (congenital with impaired intellectual development), type B, 1; Walker-Warburg congenital muscular dystrophy; Autosomal recessive limb-girdle muscular dystrophy type 2K. Last evaluated: 2022-08-16. Review status: criteria provided, single submitter. Criteria: Invitae Variant Classification Sherloc (09022015). Collection method: clinical testing. Allele origin: germline.
Comment: This sequence change falls in intron 19 of the POMT1 gene. It does not directly change the encoded amino acid sequence of the POMT1 protein. It affects a nucleotide within the consensus splice site. This variant is present in population databases (rs766635497, gnomAD 0.002%). This variant has not been reported in the literature in individuals affected with POMT1-related conditions. ClinVar contains an entry for this variant (Variation ID: 285700). Variants that disrupt the consensus splice site are a relatively common cause of aberrant splicing (PMID: 17576681, 9536098). Algorithms developed to predict the effect of sequence changes on RNA splicing suggest that this variant is not likely to affect RNA splicing. In summary, the available evidence is currently insufficient to determine the role of this variant in disease. Therefore, it has been classified as a Variant of Uncertain Significance.

Eurofins Ntd Llc (ga)
Classification: Uncertain significance. Last evaluated: 2016-01-22. Review status: criteria provided, single submitter. Criteria: EGL Classification Definitions 2015. Collection method: clinical testing. Allele origin: germline. Observed: 2 variant alleles, 2 heterozygotes.

Literature cited by the submitters: PubMed 17576681 (cited by Labcorp Genetics (formerly Invitae), Labcorp); PubMed 9536098 (cited by Labcorp Genetics (formerly Invitae), Labcorp).